The following is an entry in ClinVar:

ClinVar aggregate classification (germline): Likely pathogenic (1 of 4 stars; one submission).

Conditions:
Anophthalmia/microphthalmia-esophageal atresia syndrome (MCOPS3). Also called: AEG SYNDROME; MICROPHTHALMIA AND ESOPHAGEAL ATRESIA SYNDROME; SOX2 Disorder. Identifiers: Orphanet 77298, MedGen C1859773, MONDO:0008799, OMIM 206900.

Submission:

MGZ Medical Genetics Center
Classification: Likely pathogenic for Anophthalmia/microphthalmia-esophageal atresia syndrome. Last evaluated: 2022-07-22. Review status: criteria provided, single submitter. Criteria: ACMG Guidelines, 2015. Collection method: clinical testing. Allele origin: germline. Affected: yes. Observed: 1 variant allele.
Comment: ACMG criteria applied: PVS1, PM2_SUP

NM_003106.4(SOX2):c.241del (p.Leu81fs)

Genes: SOX2-OT (SOX2 overlapping transcript; plus strand), SOX2 (SRY-box transcription factor 2; plus strand), LOC108281177 (SOX2 5' regulatory region; plus strand). Cytogenetic location: 3q26.33.
Variant type: Deletion.
Coding change: c.241del on transcript NM_003106.4 (MANE Select); coding-DNA position 241, one base deleted (C; older notation c.241delC).
Protein change: p.Leu81fs; shifts the reading frame from leucine 81.
Molecular consequence: frameshift variant.
Genome position (GRCh38, 1-based): chr3:181,712,601, C deleted. VCF-style (leftmost placement, unchanged base first): chr3-181712600-AC-A. GRCh37 (hg19) VCF-style: chr3-181430388-AC-A.
Other names: short protein forms L81fs.
Identifiers: ClinVar variation 1709556 (VCV001709556.2), dbSNP rs2473717602, ClinGen allele CA2580069111.